The following is an entry in ClinVar:

ClinVar aggregate classification (germline): Uncertain significance (1 of 4 stars; one submission).

gnomAD v4.1: 3 of 1,612,900 alleles (0.00019%); highest among the groups gnomAD compares: Non-Finnish European, 0.00025%; no homozygotes.

Submission:

Labcorp Genetics (formerly Invitae), Labcorp
Classification: Uncertain significance. Last evaluated: 2025-08-20. Review status: criteria provided, single submitter. Criteria: Invitae Variant Classification Sherloc (09022015). Collection method: clinical testing. Allele origin: germline.
Comment: This sequence change replaces serine, which is neutral and polar, with leucine, which is neutral and non-polar, at codon 444 of the TRIM8 protein (p.Ser444Leu). This variant is present in population databases (no rsID available, gnomAD 0.0009%). This variant has not been reported in the literature in individuals affected with TRIM8-related conditions. An algorithm developed to predict the effect of missense changes on protein structure and function (PolyPhen-2) suggests that this variant is likely to be tolerated. Algorithms developed to predict the effect of sequence changes on RNA splicing suggest that this variant may create or strengthen a splice site. In summary, the available evidence is currently insufficient to determine the role of this variant in disease. Therefore, it has been classified as a Variant of Uncertain Significance.

NM_030912.3(TRIM8):c.1331C>T (p.Ser444Leu)

Gene: TRIM8 (tripartite motif containing 8; plus strand). Cytogenetic location: 10q24.32.
Variant type: single nucleotide variant.
Coding change: c.1331C>T on transcript NM_030912.3 (MANE Select); coding-DNA position 1331, C replaced by T.
Protein change: p.Ser444Leu; replaces serine 444 with leucine.
Molecular consequence: missense variant. On other transcripts: non-coding transcript variant (1).
Genome position (GRCh38, 1-based): chr10:102,657,029, C>T. VCF-style: chr10-102657029-C-T. GRCh37 (hg19) VCF-style: chr10-104416786-C-T.
Other names: c.1235C>T, p.Ser412Leu (NM_001345950.1); short protein forms S444L, S412L.
Identifiers: ClinVar variation 4770342 (VCV004770342.1).